The following is an entry in ClinVar:

NM_005902.4(SMAD3):c.730G>A (p.Val244Ile)

Gene: SMAD3 (SMAD family member 3; plus strand). Cytogenetic location: 15q22.33.
Variant type: single nucleotide variant.
Coding change: c.730G>A on transcript NM_005902.4 (MANE Select); coding-DNA position 730, G replaced by A.
Protein change: p.Val244Ile; replaces valine 244 with isoleucine.
Molecular consequence: missense variant.
Genome position (GRCh38, 1-based): chr15:67,181,312, G>A. VCF-style: chr15-67181312-G-A. GRCh37 (hg19) VCF-style: chr15-67473650-G-A.
Other names: c.415G>A, p.Val139Ile (NM_001145102.2); c.598G>A, p.Val200Ile (NM_001145103.2); c.145G>A, p.Val49Ile (NM_001145104.2); short protein forms V200I, V244I, V49I, V139I.
Identifiers: ClinVar variation 919044 (VCV000919044.18), dbSNP rs773543026, ClinGen allele CA062623.

ClinVar aggregate classification (germline): Conflicting classifications of pathogenicity. Review status: criteria provided, conflicting classifications (1 of 4 stars). 4 submissions from 4 submitters: Uncertain significance (3); Likely benign (1). Last evaluated 2025-03-03.

Conditions:
Aneurysm-osteoarthritis syndrome. Also called: LOEYS-DIETZ SYNDROME WITH OSTEOARTHRITIS; SMAD3-Related Loeys-Dietz Syndrome; Loeys-Dietz syndrome, type 1C; ANEURYSMS-OSTEOARTHRITIS SYNDROME. Identifiers: Orphanet 284984, MedGen C3151087, MONDO:0013426, OMIM 613795.
Familial thoracic aortic aneurysm and aortic dissection (TAAD). Also called: Thoracic aortic aneurysms and dissections. Identifiers: Orphanet 91387, MedGen C4707243, MONDO:0019625.

Allele frequency attached by ClinVar (database versions not stated): ExAC 0.00001; gnomAD exomes 0.00001 and 0.00002; gnomAD 0.00002; TOPMed 0.00003.

Submissions (4):

Color Diagnostics, LLC DBA Color Health
Classification: Uncertain significance for Familial thoracic aortic aneurysm and aortic dissection. Last evaluated: 2025-03-03. Review status: criteria provided, single submitter. Criteria: ACMG Guidelines, 2015. Collection method: clinical testing. Allele origin: germline.
Comment: This missense variant replaces valine with isoleucine at codon 244 of the SMAD3 protein. Computational prediction tool is inconclusive regarding the impact of this variant on protein structure and function. To our knowledge, functional studies have not been reported for this variant. This variant has not been reported in individuals affected with SMAD3-related disorders in the literature. This variant has been identified in 4/251144 chromosomes in the general population by the Genome Aggregation Database (gnomAD). The available evidence is insufficient to determine the role of this variant in disease conclusively. Therefore, this variant is classified as a Variant of Uncertain Significance.

All of Us Research Program, National Institutes of Health
Classification: Uncertain significance for Aneurysm-osteoarthritis syndrome. Last evaluated: 2024-06-17. Review status: criteria provided, single submitter. Criteria: ACMG Guidelines, 2015. Collection method: clinical testing. Allele origin: germline. Inheritance: Autosomal dominant inheritance. Observed: 6 variant alleles, 6 heterozygotes.
Comment: This missense variant replaces valine with isoleucine at codon 244 of the SMAD3 protein. Computational prediction is inconclusive regarding the impact of this variant on protein structure and function (internally defined REVEL score threshold 0.5 < inconclusive < 0.7, PMID: 27666373). To our knowledge, functional studies have not been reported for this variant. This variant has not been reported in individuals affected with cardiovascular disorders in the literature. This variant has been identified in 4/251144 chromosomes in the general population by the Genome Aggregation Database (gnomAD). The available evidence is insufficient to determine the role of this variant in disease conclusively. Therefore, this variant is classified as a Variant of Uncertain Significance.

This study involves interpretation of variants in research participants for the purpose of population health screening. Participant phenotype was not available at the time of variant classification. Additional details can be found in publication PMID: 35346344, PMCID: PMC8962531

Labcorp Genetics (formerly Invitae), Labcorp
Classification: Likely benign for Familial thoracic aortic aneurysm and aortic dissection. Last evaluated: 2023-12-01. Review status: criteria provided, single submitter. Criteria: Invitae Variant Classification Sherloc (09022015). Collection method: clinical testing. Allele origin: germline.

Ambry Genetics
Classification: Uncertain significance for Familial thoracic aortic aneurysm and aortic dissection. Last evaluated: 2021-05-25. Review status: criteria provided, single submitter. Criteria: Ambry Variant Classification Scheme 2023. Collection method: clinical testing. Allele origin: germline.
Comment: The p.V244I variant (also known as c.730G>A), located in coding exon 6 of the SMAD3 gene, results from a G to A substitution at nucleotide position 730. The valine at codon 244 is replaced by isoleucine, an amino acid with highly similar properties. This amino acid position is highly conserved in available vertebrate species. In addition, this alteration is predicted to be deleterious by in silico analysis. Since supporting evidence is limited at this time, the clinical significance of this alteration remains unclear.